The following is an entry in ClinVar:

NM_001384140.1(PCDH15):c.4208A>G (p.Lys1403Arg)

Gene: PCDH15 (protocadherin related 15; minus strand). Cytogenetic location: 10q21.1.
Variant type: single nucleotide variant.
Coding change: c.4208A>G on transcript NM_001384140.1 (MANE Select); coding-DNA position 4208, A replaced by G.
Protein change: p.Lys1403Arg; replaces lysine 1403 with arginine.
Molecular consequence: missense variant. On other transcripts: intron variant (3).
Genome position (GRCh38, 1-based): chr10:53,828,568, T>C on the plus strand (A>G on the coding strand, the complement: PCDH15 is on the minus strand). VCF-style: chr10-53828568-T-C. GRCh37 (hg19) VCF-style: chr10-55588328-T-C.
Other names: c.4208A>G (NM_033056.3); c.4223A>G, p.Lys1408Arg (NM_001142763.2, NM_001142771.2); c.4208A>G, p.Lys1403Arg (NM_001142764.2, NM_001142770.3, NM_001142772.2 and 3 more transcripts); c.3995A>G, p.Lys1332Arg (NM_001142765.2); c.4142A>G, p.Lys1381Arg (NM_001142768.2, NM_001354404.2); c.4244A>G, p.Lys1415Arg (NM_001142769.4); c.4229A>G, p.Lys1410Arg (NM_001354411.2); c.4137-1020A>G (NM_001142773.2); and 2 more; short protein forms K1332R, K1381R, K1403R, K1408R, K1410R, K1415R.
Identifiers: ClinVar variation 1209616 (VCV001209616.9), dbSNP rs778508372, ClinGen allele CA5505419.

ClinVar aggregate classification (germline): Uncertain significance. Review status: criteria provided, multiple submitters, no conflicts (2 of 4 stars). 6 submissions from 5 submitters: Uncertain significance (6). Last evaluated 2026-06-04.

Conditions:
PCDH15-related disorder. Also called: PCDH15-related condition; PCDH15-related disorders.
Usher syndrome type 1F (USH1F). Also called: USHER SYNDROME, TYPE IF. Identifiers: Orphanet 231169, Orphanet 886, MedGen C1865885, MONDO:0011186, OMIM 602083.
Autosomal recessive nonsyndromic hearing loss 23. Identifiers: Orphanet 90636, MedGen C1836027, MONDO:0012293, OMIM 609533.

Allele frequency attached by ClinVar (database versions not stated): TOPMed below 0.00001; gnomAD exomes 0.00001 and 0.00003; ExAC 0.00002.
gnomAD v4.1: 20 of 1,553,894 alleles (0.0013%); highest among the groups gnomAD compares: South Asian, 0.0033%; no homozygotes.

Submissions (6):

PreventionGenetics, part of Exact Sciences
Classification: Uncertain significance for PCDH15-related condition. Last evaluated: 2026-06-04. Review status: criteria provided, single submitter. Criteria: ACMG Guidelines, 2015. Collection method: clinical testing. Allele origin: germline.
Comment: The PCDH15 c.4208A>G variant is predicted to result in the amino acid substitution p.Lys1403Arg. This variant was reported in an individual with retinal dystrophy; however, a second potentially causative variant was not identified (supplementary data, Mihalich et al. 2024. PubMed ID: 38927702). This variant is reported in 0.0065% of alleles in individuals of South Asian descent in gnomAD. At this time, the clinical significance of this variant is uncertain due to the absence of conclusive functional and genetic evidence.

GeneDx
Classification: Uncertain significance. Last evaluated: 2024-08-19. Review status: criteria provided, single submitter. Criteria: GeneDx Variant Classification Process June 2021. Collection method: clinical testing. Allele origin: germline. Affected: yes.
Comment: Not observed at significant frequency in large population cohorts (gnomAD); In silico analysis indicates that this missense variant does not alter protein structure/function; Has not been previously published as pathogenic or benign to our knowledge; In silico analysis is inconclusive as to whether the variant alters gene splicing; in the absence of RNA/functional studies the actual effect of this sequence change is unknown

Pittsburgh Clinical Genomics Laboratory, University of Pittsburgh Medical Center
Classification: Uncertain significance for Usher syndrome type 1F. Last evaluated: 2024-02-09. Review status: criteria provided, single submitter. Criteria: ACMG Guidelines, 2015. Collection method: clinical testing. Allele origin: germline. Inheritance: Autosomal recessive inheritance. Affected: yes.
Comment: This sequence variant is a single nucleotide substitution (A>G) at position 4208 of the coding sequence of the PCDH15 gene that results in a lysine to arginine amino acid change at residue 1403 of the protocadherin related 15 protein. This is a previously reported variant (ClinVar 1209616) that has not been observed in the literature in individuals affected by PCDH15-related disease, to our knowledge. This variant is present in 20 of 1401580 alleles (0.001427%) in the gnomAD v4.0.0 population dataset. Multiple bioinformatic tools predict that this amino acid change would be neutral, and the Lys1403 residue at this position is highly conserved across the vertebrate species examined. Studies examining the functional consequence of this variant have not been performed, to our knowledge. At this time, there is insufficient evidence to determine if this variant is pathogenic or benign. Therefore, we consider this a variant of uncertain significance. ACMG Criteria: BP1, PM2

Labcorp Genetics (formerly Invitae), Labcorp
Classification: Uncertain significance. Last evaluated: 2022-10-24. Review status: criteria provided, single submitter. Criteria: Invitae Variant Classification Sherloc (09022015). Collection method: clinical testing. Allele origin: germline.
Comment: This sequence change replaces lysine, which is basic and polar, with arginine, which is basic and polar, at codon 1403 of the PCDH15 protein (p.Lys1403Arg). This variant is present in population databases (rs778508372, gnomAD 0.007%). This variant has not been reported in the literature in individuals affected with PCDH15-related conditions. ClinVar contains an entry for this variant (Variation ID: 1209616). Algorithms developed to predict the effect of missense changes on protein structure and function (SIFT, PolyPhen-2, Align-GVGD) all suggest that this variant is likely to be tolerated. Algorithms developed to predict the effect of sequence changes on RNA splicing suggest that this variant may disrupt the consensus splice site. In summary, the available evidence is currently insufficient to determine the role of this variant in disease. Therefore, it has been classified as a Variant of Uncertain Significance.

Genome-Nilou Lab
Classification: Uncertain significance for Autosomal recessive nonsyndromic hearing loss 23. Last evaluated: 2021-07-14. Review status: criteria provided, single submitter. Criteria: ACMG Guidelines, 2015. Collection method: clinical testing. Allele origin: germline. Affected: no.

Genome-Nilou Lab
Classification: Uncertain significance for Usher syndrome type 1F. Last evaluated: 2021-07-14. Review status: criteria provided, single submitter. Criteria: ACMG Guidelines, 2015. Collection method: clinical testing. Allele origin: germline. Affected: no.